The following is an entry in ClinVar:

ClinVar aggregate classification (germline): Pathogenic (1 of 4 stars; one submission).

Conditions:
Fanconi anemia complementation group C (FANCC). Also called: FANCONI PANCYTOPENIA, TYPE 3; FACC; Fanconi anemia, group C; FANCC-Related Fanconi Anemia. Identifiers: Orphanet 84, MedGen C3468041, MONDO:0009213, OMIM 227645.

Submission:

Myriad Genetics, Inc.
Classification: Pathogenic for Fanconi anemia complementation group C. Last evaluated: 2023-09-02. Review status: criteria provided, single submitter. Criteria: Myriad Autosomal Dominant, Autosomal Recessive and X-Linked Classification Criteria (2023). Collection method: clinical testing. Allele origin: unknown.
Comment: NM_000136.2(FANCC):c.752_753ins19(K252Mfs*14) is expected to be pathogenic in the context of Fanconi anemia, FANCC-related. This variant is predicted to lead to an abnormal or absent protein product due to the creation of a premature termination codon in FANCC, a gene where loss-of-function variants are known to be pathogenic. Please note: this variant was assessed in the context of healthy population screening.

NM_000136.3(FANCC):c.752_753insGATGTGTATAAGAGACAGT (p.Lys252fs)

Genes: AOPEP (aminopeptidase O (putative); plus strand), FANCC (FA complementation group C; minus strand). Cytogenetic location: 9q22.32.
Variant type: Insertion.
Coding change: c.752_753insGATGTGTATAAGAGACAGT on transcript NM_000136.3 (MANE Select); coding-DNA positions 752 to 753, GATGTGTATAAGAGACAGT inserted.
Protein change: p.Lys252fs; shifts the reading frame from lysine 252.
Molecular consequence: frameshift variant.
Genome position: GRCh38 VCF-style: chr9-95135436-T-TACTGTCTCTTATACACATC. GRCh37 (hg19) VCF-style: chr9-97897718-T-TACTGTCTCTTATACACATC.
Other names: c.752_753insGATGTGTATAAGAGACAGT, p.Lys252fs (NM_001243743.2, NM_001243744.2); short protein forms K252fs.
Identifiers: ClinVar variation 5011512 (VCV005011512.1).
Genomic context (GRCh38, chr9:95,135,436, plus strand): 5'-CCTTCTCAGACAATTTCTCTCACTGGAGATTAGCTTTTCAAAAAGATGCAGCATTGCTTT[T>TACTGTCTCTTATACACATC]TCAAGGCTGGGAAGGTGCCGAAGCCAGAGGCAGACTACAGCTGACATGGGGAGAGAAATC-3'